The following is an entry in ClinVar:

NM_001382567.1(STIM1):c.490A>G (p.Met164Val)

Gene: STIM1 (stromal interaction molecule 1; plus strand). Cytogenetic location: 11p15.4.
Variant type: single nucleotide variant.
Coding change: c.490A>G on transcript NM_001382567.1 (MANE Select); coding-DNA position 490, A replaced by G.
Protein change: p.Met164Val; replaces methionine 164 with valine.
Molecular consequence: missense variant. On other transcripts: initiator codon variant (2), non-coding transcript variant (3), intron variant (2).
Genome position (GRCh38, 1-based): chr11:4,055,630, A>G. VCF-style: chr11-4055630-A-G. GRCh37 (hg19) VCF-style: chr11-4076860-A-G.
Other names: c.490A>G, p.Met164Val (NM_001277961.3, NM_001277962.2, NM_001382568.1 and 2 more transcripts); c.268A>G, p.Met90Val (NM_001382566.1, NM_001382573.1, NM_001382574.1 and 5 more transcripts); c.355A>G, p.Met119Val (NM_001382569.1); c.1A>G, p.Met1Val (NM_001382580.1, NM_001382581.1); c.386-14396A>G (NM_001382570.1); c.18-3651A>G (NM_001382571.1); short protein forms M119V, M164V, M1V, M90V.
Identifiers: ClinVar variation 999273 (VCV000999273.10), dbSNP rs776121110, ClinGen allele CA5830229.
Genomic context (GRCh38, chr11:4,055,630, plus strand): 5'-TATGTGGAGCTGCCTCAGTATGAGGAGACCTTCCGGAAGCTGCAGCTCAGTGGCCATGCC[A>G]TGCCAAGGTCAGGAGGGGACTGGGTTTTTCTCTGTTGAGGGTACGGGGAATGGGCTGGAG-3'
Protein context (NP_001369496.1, residues 154-174): FRKLQLSGHA[Met164Val]PRLAVTNTTM

ClinVar aggregate classification (germline): Uncertain significance (1 of 4 stars; one submission).

Conditions:
Stormorken syndrome (STRMK). Also called: THROMBOCYTOPATHY, ASPLENIA, AND MIOSIS. Identifiers: Orphanet 3204, MedGen C1861451, MONDO:0008497, OMIM 185070.
Myopathy with tubular aggregates (TAM). Also called: Tubular Aggregate Myopathy. Identifiers: Orphanet 2593, MedGen C0410207, MONDO:0008051.
Combined immunodeficiency due to STIM1 deficiency. Also called: STIM1 DEFICIENCY; IMMUNODEFICIENCY 10. Identifiers: Orphanet 169090, Orphanet 317430, MedGen C2748557, MONDO:0013008, OMIM 612783.

Allele frequency attached by ClinVar (database versions not stated): gnomAD exomes below 0.00001; TOPMed 0.00001; ExAC 0.00002.

Submission:

Labcorp Genetics (formerly Invitae), Labcorp
Classification: Uncertain significance for Myopathy with tubular aggregates; Combined immunodeficiency due to STIM1 deficiency; Stormorken syndrome. Last evaluated: 2024-10-12. Review status: criteria provided, single submitter. Criteria: Invitae Variant Classification Sherloc (09022015). Collection method: clinical testing. Allele origin: germline.
Comment: This sequence change replaces methionine, which is neutral and non-polar, with valine, which is neutral and non-polar, at codon 164 of the STIM1 protein (p.Met164Val). The frequency data for this variant in the population databases is considered unreliable, as metrics indicate poor data quality at this position in the gnomAD database. This variant has not been reported in the literature in individuals affected with STIM1-related conditions. ClinVar contains an entry for this variant (Variation ID: 999273). Invitae Evidence Modeling of protein sequence and biophysical properties (such as structural, functional, and spatial information, amino acid conservation, physicochemical variation, residue mobility, and thermodynamic stability) has been performed for this missense variant. However, the output from this modeling did not meet the statistical confidence thresholds required to predict the impact of this variant on STIM1 protein function. In summary, the available evidence is currently insufficient to determine the role of this variant in disease. Therefore, it has been classified as a Variant of Uncertain Significance.